The following is an entry in ClinVar:

NM_000391.4(TPP1):c.742G>A (p.Gly248Ser)

Gene: TPP1 (tripeptidyl peptidase 1; minus strand). Cytogenetic location: 11p15.4.
Variant type: single nucleotide variant.
Coding change: c.742G>A on transcript NM_000391.4 (MANE Select); coding-DNA position 742, G replaced by A.
Protein change: p.Gly248Ser; replaces glycine 248 with serine.
Molecular consequence: missense variant.
Genome position (GRCh38, 1-based): chr11:6,616,805, C>T on the plus strand (G>A on the coding strand, the complement: TPP1 is on the minus strand). VCF-style: chr11-6616805-C-T. GRCh37 (hg19) VCF-style: chr11-6638036-C-T.
Other names: short protein forms G248S.
Identifiers: ClinVar variation 1026862 (VCV001026862.9), dbSNP rs1000290348, ClinGen allele CA217323130.

ClinVar aggregate classification (germline): Uncertain significance (1 of 4 stars; one submission).

Allele frequency attached by ClinVar (database versions not stated): gnomAD exomes below 0.00001; gnomAD 0.00001; TOPMed 0.00001.
gnomAD v4.1: 2 of 1,613,714 alleles (0.00012%); highest among the groups gnomAD compares: Non-Finnish European, 0.00017%; no homozygotes.

Submissions (2):

Labcorp Genetics (formerly Invitae), Labcorp
Classification: Uncertain significance. Last evaluated: 2022-11-22. Review status: criteria provided, single submitter. Criteria: Invitae Variant Classification Sherloc (09022015). Collection method: clinical testing. Allele origin: germline.
Comment: In summary, the available evidence is currently insufficient to determine the role of this variant in disease. Therefore, it has been classified as a Variant of Uncertain Significance. Advanced modeling of protein sequence and biophysical properties (such as structural, functional, and spatial information, amino acid conservation, physicochemical variation, residue mobility, and thermodynamic stability) performed at Invitae indicates that this missense variant is expected to disrupt TPP1 protein function. ClinVar contains an entry for this variant (Variation ID: 1026862). This variant has not been reported in the literature in individuals affected with TPP1-related conditions. This variant is present in population databases (no rsID available, gnomAD 0.0009%). This sequence change replaces glycine, which is neutral and non-polar, with serine, which is neutral and polar, at codon 248 of the TPP1 protein (p.Gly248Ser).

Dr. Peter K. Rogan Lab, Western University
No classification provided (evidence only). Condition: Uveal melanoma. Review status: no classification provided. Collection method: in vitro. Allele origin: not applicable. Functional consequence: skipped exon, retained intron. Not counted in ClinVar's aggregate classification.